The following is an entry in ClinVar:

NM_000260.4(MYO7A):c.1355_1356delinsAA (p.Leu452Gln)

Gene: MYO7A (myosin VIIA; plus strand). Cytogenetic location: 11q13.5.
Variant type: Indel.
Coding change: c.1355_1356delinsAA on transcript NM_000260.4 (MANE Select); coding-DNA positions 1355 to 1356, TC replaced by AA.
Protein change: p.Leu452Gln; replaces leucine 452 with glutamine.
Molecular consequence: missense variant.
Genome position (GRCh38, 1-based): chr11:77,162,131-77,162,132, TC replaced by AA. VCF-style: chr11-77162131-TC-AA. GRCh37 (hg19) VCF-style: chr11-76873177-TC-AA.
Other names: c.1355_1356delinsAA, p.Leu452Gln (NM_001127180.2); c.1322_1323delinsAA, p.Leu441Gln (NM_001369365.1); short protein forms L452Q, L441Q.
Identifiers: ClinVar variation 4712592 (VCV004712592.1).

ClinVar aggregate classification (germline): Uncertain significance (1 of 4 stars; one submission).

Submission:

Labcorp Genetics (formerly Invitae), Labcorp
Classification: Uncertain significance. Last evaluated: 2025-12-01. Review status: criteria provided, single submitter. Criteria: Invitae Variant Classification Sherloc (09022015). Collection method: clinical testing. Allele origin: germline.
Comment: This sequence change replaces leucine, which is neutral and non-polar, with glutamine, which is neutral and polar, at codon 452 of the MYO7A protein (p.Leu452Gln). Information on the frequency of this variant in the gnomAD database is not available, as this variant may be reported differently in the database. This variant has not been reported in the literature in individuals affected with MYO7A-related conditions. An algorithm developed to predict the effect of missense changes on protein structure and function (PolyPhen-2) suggests that this variant is likely to be disruptive. In summary, the available evidence is currently insufficient to determine the role of this variant in disease. Therefore, it has been classified as a Variant of Uncertain Significance.